The following is an entry in ClinVar:

ClinVar aggregate classification (germline): Uncertain significance (1 of 4 stars; one submission).

Conditions:
Joubert syndrome 23 (JBTS23). Identifiers: Orphanet 475, MedGen C4084822, MONDO:0014664, OMIM 616490.
Short-rib thoracic dysplasia 14 with polydactyly (SRTD14). Identifiers: Orphanet 397715, MedGen C4225286, MONDO:0014688, OMIM 616546.

Submission:

Labcorp Genetics (formerly Invitae), Labcorp
Classification: Uncertain significance for Joubert syndrome 23; Short-rib thoracic dysplasia 14 with polydactyly. Last evaluated: 2022-02-02. Review status: criteria provided, single submitter. Criteria: Invitae Variant Classification Sherloc (09022015). Collection method: clinical testing. Allele origin: germline.
Comment: In summary, the available evidence is currently insufficient to determine the role of this variant in disease. Therefore, it has been classified as a Variant of Uncertain Significance. Algorithms developed to predict the effect of missense changes on protein structure and function output the following: SIFT: "Tolerated"; PolyPhen-2: "Benign"; Align-GVGD: "Class C0". The threonine amino acid residue is found in multiple mammalian species, which suggests that this missense change does not adversely affect protein function. This variant has not been reported in the literature in individuals affected with KIAA0586-related conditions. This variant is not present in population databases (gnomAD no frequency). This sequence change replaces serine, which is neutral and polar, with threonine, which is neutral and polar, at codon 1551 of the KIAA0586 protein (p.Ser1551Thr).

NM_001329943.3(KIAA0586):c.4492T>A (p.Ser1498Thr)

Gene: KIAA0586 (KIAA0586; plus strand). Cytogenetic location: 14q23.1.
Variant type: single nucleotide variant.
Coding change: c.4492T>A on transcript NM_001329943.3 (MANE Select); coding-DNA position 4492, T replaced by A.
Protein change: p.Ser1498Thr; replaces serine 1498 with threonine.
Molecular consequence: missense variant. On other transcripts: intron variant (2).
Genome position (GRCh38, 1-based): chr14:58,540,133, T>A. VCF-style: chr14-58540133-T-A. GRCh37 (hg19) VCF-style: chr14-59006851-T-A.
Other names: c.4360T>A, p.Ser1454Thr (NM_001329947.2, NM_001244192.2); c.4237T>A, p.Ser1413Thr (NM_001364701.2, NM_001244191.2); c.4264T>A, p.Ser1422Thr (NM_014749.5); c.4430-7648T>A (NM_001329946.2); c.4175-7648T>A (NM_001329945.2); c.4651T>A, p.Ser1551Thr (NM_001244189.2); c.4447T>A, p.Ser1483Thr (NM_001244190.2); c.4492T>A, p.Ser1498Thr (NM_001329944.2); short protein forms S1413T, S1454T, S1551T, S1422T, S1483T, S1498T.
Identifiers: ClinVar variation 1901040 (VCV001901040.5), dbSNP rs778863450, ClinGen allele CA262037323.